The following is an entry in ClinVar:

NM_138694.4(PKHD1):c.8122C>T (p.Gln2708Ter)

Gene: PKHD1 (PKHD1 ciliary IPT domain containing fibrocystin/polyductin; minus strand). Cytogenetic location: 6p12.2.
Variant type: single nucleotide variant.
Coding change: c.8122C>T on transcript NM_138694.4 (MANE Select); coding-DNA position 8122, C replaced by T.
Protein change: p.Gln2708Ter; replaces glutamine 2708 with a stop codon.
Molecular consequence: nonsense.
Genome position (GRCh38, 1-based): chr6:51,836,455, G>A on the plus strand (C>T on the coding strand, the complement: PKHD1 is on the minus strand). VCF-style: chr6-51836455-G-A. GRCh37 (hg19) VCF-style: chr6-51701253-G-A.
Other names: c.8122C>T, p.Gln2708Ter (NM_170724.3); short protein forms Q2708*.
Identifiers: ClinVar variation 863593 (VCV000863593.40), dbSNP rs1473182306, ClinGen allele CA364426150.

ClinVar aggregate classification (germline): Pathogenic. Review status: criteria provided, multiple submitters, no conflicts (2 of 4 stars). 3 submissions from 3 submitters: Pathogenic (2). 1 of the submissions does not count toward it. Last evaluated 2024-02-27.

Conditions:
Polycystic kidney disease 4 (PKD4). Also called: PKD3; POLYCYSTIC KIDNEY AND HEPATIC DISEASE 1; POLYCYSTIC KIDNEY DISEASE, INFANTILE, TYPE I; POLYCYSTIC KIDNEY DISEASE 4 WITH OR WITHOUT POLYCYSTIC LIVER DISEASE; Autosomal Recessive Polycystic Kidney Disease – PKHD1. Identifiers: MedGen C4540575, MONDO:0033004, OMIM 263200.
Autosomal dominant polycystic liver disease. Also called: Polycystic liver disease; Congenital cystic disease of liver. Identifiers: Orphanet 2924, MedGen C0158683, MONDO:0000447, HP:0006557.
Autosomal recessive polycystic kidney disease (ARPKD). Also called: AR polycystic kidney disease. Identifiers: Orphanet 731, Orphanet 8378, MedGen C0085548, MeSH D017044, MONDO:0009889.

Allele frequency attached by ClinVar (database versions not stated): TOPMed below 0.00001; gnomAD 0.00001.
gnomAD v4.1: 1 of 1,612,494 alleles (0.000062%); highest among the groups gnomAD compares: Non-Finnish European, 0.000085%; no homozygotes.

Submissions (3):

Baylor Genetics
Classification: Pathogenic for Polycystic kidney disease 4. Last evaluated: 2024-02-27. Review status: criteria provided, single submitter. Criteria: ACMG Guidelines, 2015. Collection method: clinical testing. Allele origin: unknown.

Labcorp Genetics (formerly Invitae), Labcorp
Classification: Pathogenic for Autosomal recessive polycystic kidney disease. Last evaluated: 2023-07-28. Review status: criteria provided, single submitter. Criteria: Invitae Variant Classification Sherloc (09022015). Collection method: clinical testing. Allele origin: germline.
Comment: This sequence change creates a premature translational stop signal (p.Gln2708*) in the PKHD1 gene. It is expected to result in an absent or disrupted protein product. Loss-of-function variants in PKHD1 are known to be pathogenic (PMID: 19940839). This variant is not present in population databases (gnomAD no frequency). This premature translational stop signal has been observed in individuals with autosomal recessive polycystic kidney disease (PMID: 27225849). ClinVar contains an entry for this variant (Variation ID: 863593). Algorithms developed to predict the effect of sequence changes on RNA splicing suggest that this variant may disrupt the consensus splice site. For these reasons, this variant has been classified as Pathogenic.

Laboratory of Gastroenterology and Hepatology, Radboud University Medical Center
Classification: Pathogenic for Autosomal dominant polycystic liver disease. Last evaluated: 2021-09-01. Review status: no assertion criteria provided. Collection method: research. Allele origin: germline. Affected: yes. Not counted in ClinVar's aggregate classification.

Literature cited by the submitters: PubMed 19940839 (cited by Labcorp Genetics (formerly Invitae), Labcorp); PubMed 27225849 (cited by Labcorp Genetics (formerly Invitae), Labcorp).